The following is an entry in ClinVar:

ClinVar aggregate classification (germline): Uncertain significance (1 of 4 stars; one submission).

Conditions:
Microcephaly, normal intelligence and immunodeficiency (NBS). Also called: BERLIN BREAKAGE SYNDROME; Nijmegen breakage syndrome; Microcephaly with normal intelligence immunodeficiency and lymphoreticular malignancies; Nonsyndromal microcephaly autosomal recessive with normal intelligence; Seemanova syndrome 2; SEEMANOVA SYNDROME II. Identifiers: Orphanet 647, MedGen C0398791, MONDO:0009623, OMIM 251260.

gnomAD v4.1: 1 of 1,614,048 alleles (0.000062%); highest among the groups gnomAD compares: Middle Eastern, 0.016%; no homozygotes.

Submission:

Labcorp Genetics (formerly Invitae), Labcorp
Classification: Uncertain significance for Microcephaly, normal intelligence and immunodeficiency. Last evaluated: 2022-12-11. Review status: criteria provided, single submitter. Criteria: Invitae Variant Classification Sherloc (09022015). Collection method: clinical testing. Allele origin: germline.
Comment: Algorithms developed to predict the effect of missense changes on protein structure and function are either unavailable or do not agree on the potential impact of this missense change (SIFT: "Deleterious"; PolyPhen-2: "Probably Damaging"; Align-GVGD: "Class C0"). In summary, the available evidence is currently insufficient to determine the role of this variant in disease. Therefore, it has been classified as a Variant of Uncertain Significance. This sequence change replaces cysteine, which is neutral and slightly polar, with phenylalanine, which is neutral and non-polar, at codon 269 of the NBN protein (p.Cys269Phe). This variant is not present in population databases (gnomAD no frequency). This variant has not been reported in the literature in individuals affected with NBN-related conditions. ClinVar contains an entry for this variant (Variation ID: 653308).

NM_002485.5(NBN):c.806G>T (p.Cys269Phe)

Gene: NBN (nibrin; minus strand). Cytogenetic location: 8q21.3.
Variant type: single nucleotide variant.
Coding change: c.806G>T on transcript NM_002485.5 (MANE Select); coding-DNA position 806, G replaced by T.
Protein change: p.Cys269Phe; replaces cysteine 269 with phenylalanine.
Molecular consequence: missense variant.
Genome position (GRCh38, 1-based): chr8:89,970,454, C>A on the plus strand (G>T on the coding strand, the complement: NBN is on the minus strand). VCF-style: chr8-89970454-C-A. GRCh37 (hg19) VCF-style: chr8-90982682-C-A.
Other names: c.560G>T, p.Cys187Phe (NM_001024688.3); short protein forms C269F, C187F.
Identifiers: ClinVar variation 653308 (VCV000653308.8), dbSNP rs768822147, ClinGen allele CA371658583.